The following is an entry in ClinVar:

NM_001036.6(RYR3):c.3475A>G (p.Met1159Val)

Gene: RYR3 (ryanodine receptor 3; plus strand). Cytogenetic location: 15q14.
Variant type: single nucleotide variant.
Coding change: c.3475A>G on transcript NM_001036.6 (MANE Select); coding-DNA position 3475, A replaced by G.
Protein change: p.Met1159Val; replaces methionine 1159 with valine.
Molecular consequence: missense variant.
Genome position (GRCh38, 1-based): chr15:33,636,469, A>G. VCF-style: chr15-33636469-A-G. GRCh37 (hg19) VCF-style: chr15-33928670-A-G.
Other names: c.3475A>G (NM_001036.3); c.3475A>G, p.Met1159Val (NM_001243996.4); short protein forms M1159V.
Identifiers: ClinVar variation 1001224 (VCV001001224.6), dbSNP rs763833348, ClinGen allele CA7458694.
Genomic context (GRCh38, chr15:33,636,469, plus strand): 5'-GGGCGTACCTGGCAGCCAGGGGATGTGGTCGGATGTATGATTAACCTGGATGATGCTTCA[A>G]TGATCTTCACACTGAATGGGGAGCTGCTGATCACCAACAAAGGCTCTGAACTTGCCTTCG-3'
Protein context (NP_001027.3, residues 1149-1169): GCMINLDDAS[Met1159Val]IFTLNGELLI

ClinVar aggregate classification (germline): Uncertain significance. Review status: criteria provided, multiple submitters, no conflicts (2 of 4 stars). 2 submissions from 2 submitters: Uncertain significance (2). Last evaluated 2024-10-07.

Conditions:
Epileptic encephalopathy. Identifiers: MedGen C0543888, HP:0200134.

Allele frequency attached by ClinVar (database versions not stated): ExAC 0.00001; gnomAD 0.00001; gnomAD exomes 0.00002; TOPMed 0.00002.

Submissions (2):

Ambry Genetics
Classification: Uncertain significance. Last evaluated: 2024-10-07. Review status: criteria provided, single submitter. Criteria: Ambry Variant Classification Scheme 2023. Collection method: clinical testing. Allele origin: germline.

Labcorp Genetics (formerly Invitae), Labcorp
Classification: Uncertain significance for Epileptic encephalopathy. Last evaluated: 2023-08-17. Review status: criteria provided, single submitter. Criteria: Invitae Variant Classification Sherloc (09022015). Collection method: clinical testing. Allele origin: germline.
Comment: This sequence change replaces methionine, which is neutral and non-polar, with valine, which is neutral and non-polar, at codon 1159 of the RYR3 protein (p.Met1159Val). This variant is present in population databases (rs763833348, gnomAD 0.005%). This variant has not been reported in the literature in individuals affected with RYR3-related conditions. ClinVar contains an entry for this variant (Variation ID: 1001224). An algorithm developed to predict the effect of missense changes on protein structure and function (PolyPhen-2) suggests that this variant is likely to be tolerated. In summary, the available evidence is currently insufficient to determine the role of this variant in disease. Therefore, it has been classified as a Variant of Uncertain Significance.